The following is an entry in ClinVar:

ClinVar aggregate classification (germline): Likely benign (0 of 4 stars; one submission).

Conditions:
NFASC-related disorder. Also called: NFASC-related condition.

Allele frequency attached by ClinVar (database versions not stated): gnomAD exomes 0.00008; gnomAD 0.00014; ExAC 0.00016; ESP Exome Variant Server 0.00023; TOPMed 0.00025.
gnomAD v4.1: 225 of 1,609,244 alleles (0.014%); highest among the groups gnomAD compares: East Asian, 0.054%; 2 homozygotes.

Submission:

PreventionGenetics, part of Exact Sciences
Classification: Likely benign for NFASC-related condition. Last evaluated: 2019-10-03. Review status: no assertion criteria provided. Collection method: clinical testing. Allele origin: germline.
Comment: This variant is classified as likely benign based on ACMG/AMP sequence variant interpretation guidelines (Richards et al. 2015 PMID: 25741868, with internal and published modifications).

NM_001005388.3(NFASC):c.*1C>T

Gene: NFASC (neurofascin; plus strand). Cytogenetic location: 1q32.1.
Variant type: single nucleotide variant.
Coding change: c.*1C>T on transcript NM_001005388.3 (MANE Select); 1 bases downstream of the stop codon, C replaced by T.
Molecular consequence: 3 prime UTR variant.
Genome position (GRCh38, 1-based): chr1:205,016,540, C>T. VCF-style: chr1-205016540-C-T. GRCh37 (hg19) VCF-style: chr1-204985668-C-T.
Other names: c.*1C>T (NM_001160331.2, NM_001160332.2, NM_001365986.1 and 2 more transcripts).
Identifiers: ClinVar variation 3042143 (VCV003042143.2), dbSNP rs145069911, ClinGen allele CA1350878.